The following is an entry in ClinVar:

ClinVar aggregate classification (germline): Uncertain significance (1 of 4 stars; one submission).

Submission:

GeneDx
Classification: Uncertain significance. Last evaluated: 2026-04-23. Review status: criteria provided, single submitter. Criteria: GeneDx Variant Classification Process June 2021. Collection method: clinical testing. Allele origin: germline.
Comment: Not observed at significant frequency in large population cohorts (gnomAD); In silico analysis supports that this missense variant has a deleterious effect on protein structure/function; Has not been previously published as pathogenic or benign to our knowledge

NM_001458.5(FLNC):c.202C>T (p.Leu68Phe)

Gene: FLNC (filamin C; plus strand). Cytogenetic location: 7q32.1.
Variant type: single nucleotide variant.
Coding change: c.202C>T on transcript NM_001458.5 (MANE Select); coding-DNA position 202, C replaced by T.
Protein change: p.Leu68Phe; replaces leucine 68 with phenylalanine.
Molecular consequence: missense variant.
Genome position (GRCh38, 1-based): chr7:128,830,839, C>T. VCF-style: chr7-128830839-C-T. GRCh37 (hg19) VCF-style: chr7-128470893-C-T.
Other names: c.202C>T, p.Leu68Phe (NM_001127487.2); short protein forms L68F.
Identifiers: ClinVar variation 5037505 (VCV005037505.1).